The following is an entry in ClinVar:

NM_002454.3(MTRR):c.1075C>T (p.His359Tyr)

Gene: MTRR (5-methyltetrahydrofolate-homocysteine methyltransferase reductase; plus strand). Cytogenetic location: 5p15.31.
Variant type: single nucleotide variant.
Coding change: c.1075C>T on transcript NM_002454.3 (MANE Select); coding-DNA position 1075, C replaced by T.
Protein change: p.His359Tyr; replaces histidine 359 with tyrosine.
Molecular consequence: missense variant. On other transcripts: non-coding transcript variant (12).
Genome position (GRCh38, 1-based): chr5:7,886,632, C>T. VCF-style: chr5-7886632-C-T. GRCh37 (hg19) VCF-style: chr5-7886745-C-T.
Other names: c.1075C>T, p.His359Tyr (NM_001364440.2, NM_001364441.2, NM_001364442.2 and 1 more transcripts); short protein forms H359Y.
Identifiers: ClinVar variation 1406672 (VCV001406672.3), dbSNP rs1405292334, ClinGen allele CA359158119.
Genomic context (GRCh38, chr5:7,886,632, plus strand): 5'-ATCTTCTATGTCATGAACCCCTTTCCCGTCTTTACCTGAAAAGGAGCTACCTTACCCCAG[C>T]ATATACCTGCGGGATGTTCTCTCCAGTTCATTTTTACCTGGTGTCTTGAAATCCGAGCAA-3'
Protein context (NP_002445.2, residues 349-369): TKKKGATLPQ[His359Tyr]IPAGCSLQFI

ClinVar aggregate classification (germline): Uncertain significance (1 of 4 stars; one submission).

Conditions:
Methylcobalamin deficiency type cblE (HMAE). Also called: HOMOCYSTINURIA-MEGALOBLASTIC ANEMIA, cblE COMPLEMENTATION TYPE; HOMOCYSTINURIA-MEGALOBLASTIC ANEMIA, cblE TYPE; VITAMIN B12-RESPONSIVE HOMOCYSTINURIA, cblE TYPE. Identifiers: Orphanet 2169, Orphanet 622, MedGen C1856057, MONDO:0009354, OMIM 236270.

Allele frequency attached by ClinVar (database versions not stated): gnomAD exomes below 0.00001 and 0.00001.
gnomAD v4.1: 5 of 1,613,664 alleles (0.00031%); highest among the groups gnomAD compares: Non-Finnish European, 0.00042%; no homozygotes.

Submission:

Labcorp Genetics (formerly Invitae), Labcorp
Classification: Uncertain significance for Methylcobalamin deficiency type cblE. Last evaluated: 2022-10-24. Review status: criteria provided, single submitter. Criteria: Invitae Variant Classification Sherloc (09022015). Collection method: clinical testing. Allele origin: germline.
Comment: This sequence change replaces histidine, which is basic and polar, with tyrosine, which is neutral and polar, at codon 359 of the MTRR protein (p.His359Tyr). This variant is present in population databases (no rsID available, gnomAD 0.0009%). This variant has not been reported in the literature in individuals affected with MTRR-related conditions. ClinVar contains an entry for this variant (Variation ID: 1406672). Algorithms developed to predict the effect of missense changes on protein structure and function are either unavailable or do not agree on the potential impact of this missense change (SIFT: "Deleterious"; PolyPhen-2: "Benign"; Align-GVGD: "Class C0"). In summary, the available evidence is currently insufficient to determine the role of this variant in disease. Therefore, it has been classified as a Variant of Uncertain Significance.